The following is an entry in ClinVar:

ClinVar aggregate classification (germline): Uncertain significance (1 of 4 stars; one submission).

Submission:

Labcorp Genetics (formerly Invitae), Labcorp
Classification: Uncertain significance. Last evaluated: 2025-02-09. Review status: criteria provided, single submitter. Criteria: Invitae Variant Classification Sherloc (09022015). Collection method: clinical testing. Allele origin: germline.
Comment: This sequence change replaces serine, which is neutral and polar, with asparagine, which is neutral and polar, at codon 129 of the ARID1A protein (p.Ser129Asn). This variant is not present in population databases (gnomAD no frequency). This variant has not been reported in the literature in individuals affected with ARID1A-related conditions. Invitae Evidence Modeling of protein sequence and biophysical properties (such as structural, functional, and spatial information, amino acid conservation, physicochemical variation, residue mobility, and thermodynamic stability) indicates that this missense variant is not expected to disrupt ARID1A protein function with a negative predictive value of 95%. In summary, the available evidence is currently insufficient to determine the role of this variant in disease. Therefore, it has been classified as a Variant of Uncertain Significance.

NM_006015.6(ARID1A):c.386G>A (p.Ser129Asn)

Gene: ARID1A (AT-rich interaction domain 1A; plus strand). Cytogenetic location: 1p36.11.
Variant type: single nucleotide variant.
Coding change: c.386G>A on transcript NM_006015.6 (MANE Select); coding-DNA position 386, G replaced by A.
Protein change: p.Ser129Asn; replaces serine 129 with asparagine.
Molecular consequence: missense variant.
Genome position (GRCh38, 1-based): chr1:26,696,789, G>A. VCF-style: chr1-26696789-G-A. GRCh37 (hg19) VCF-style: chr1-27023280-G-A.
Other names: c.386G>A, p.Ser129Asn (NM_139135.4); short protein forms S129N.
Identifiers: ClinVar variation 4773311 (VCV004773311.1).